The following is an entry in ClinVar:

ClinVar aggregate classification (germline): Uncertain significance (1 of 4 stars; one submission).

Conditions:
Autosomal dominant nonsyndromic hearing loss 1. Also called: KONIGSMARK SYNDROME; DEAFNESS, AUTOSOMAL DOMINANT 1, WITH OR WITHOUT THROMBOCYTOPENIA. Identifiers: Orphanet 90635, MedGen C1852282, MONDO:0007424, OMIM 124900.
Progressive microcephaly-seizures-cortical blindness-developmental delay syndrome. Also called: Seizures, cortical blindness, and microcephaly syndrome. Identifiers: Orphanet 477814, MedGen C5567650, MONDO:0014714, OMIM 616632.

Submission:

Labcorp Genetics (formerly Invitae), Labcorp
Classification: Uncertain significance for Progressive microcephaly-seizures-cortical blindness-developmental delay syndrome; Autosomal dominant nonsyndromic hearing loss 1. Last evaluated: 2024-01-31. Review status: criteria provided, single submitter. Criteria: Invitae Variant Classification Sherloc (09022015). Collection method: clinical testing. Allele origin: germline.
Comment: This sequence change replaces glutamic acid, which is acidic and polar, with lysine, which is basic and polar, at codon 501 of the DIAPH1 protein (p.Glu501Lys). This variant is not present in population databases (gnomAD no frequency). This variant has not been reported in the literature in individuals affected with DIAPH1-related conditions. Experimental studies and prediction algorithms are not available or were not evaluated, and the functional significance of this variant is currently unknown. In summary, the available evidence is currently insufficient to determine the role of this variant in disease. Therefore, it has been classified as a Variant of Uncertain Significance.

NM_005219.5(DIAPH1):c.1501G>A (p.Glu501Lys)

Gene: DIAPH1 (diaphanous related formin 1; minus strand). Cytogenetic location: 5q31.3.
Variant type: single nucleotide variant.
Coding change: c.1501G>A on transcript NM_005219.5 (MANE Select); coding-DNA position 1501, G replaced by A.
Protein change: p.Glu501Lys; replaces glutamic acid 501 with lysine.
Molecular consequence: missense variant.
Genome position (GRCh38, 1-based): chr5:141,575,107, C>T on the plus strand (G>A on the coding strand, the complement: DIAPH1 is on the minus strand). VCF-style: chr5-141575107-C-T. GRCh37 (hg19) VCF-style: chr5-140954674-C-T.
Other names: c.1474G>A, p.Glu492Lys (NM_001079812.3); c.1501G>A, p.Glu501Lys (NM_001314007.2); short protein forms E492K, E501K.
Identifiers: ClinVar variation 2922759 (VCV002922759.3), dbSNP rs2513745976, ClinGen allele CA361524250.
Genomic context (GRCh38, chr5:141,575,107, plus strand): 5'-CTTTTTCTCCCTGAAGATCTTGAAGCTTCTGCTCAAAGTCACTTTCCATCTTTTTCATTT[C>T]CACCTGTAGCTCATGTCGGGCTGTTAACTCTGAGTCCAACTAGAGAAAAAACGAATCAGG-3'
Protein context (NP_005210.3, residues 491-511): ELTARHELQV[Glu501Lys]MKKMESDFEQ